The following continues an entry in ClinVar:

NM_000784.4(CYP27A1):c.1016C>T (p.Thr339Met)

Gene: CYP27A1. ClinVar aggregate classification (germline): Pathogenic/Likely pathogenic. Pathogenic (14); Likely pathogenic (2).

Submissions 14 to 22 of 22:

Illumina Laboratory Services, Illumina
Classification: Pathogenic for Cholestanol storage disease. Last evaluated: 2017-04-27. Review status: criteria provided, single submitter. Criteria: ICSL Variant Classification Criteria 09 May 2019. Collection method: clinical testing. Allele origin: germline.
Comment: The CYP27A1 c.1016C>T (p.Thr339Met) variant has been reported in six studies in which it was found in a homozygous state in five individuals and in a compound heterozygous state in four individuals, all with cerebrotendinous xanthomatosis, and in a heterozygous state in four unaffected family members (Reshef et al. 1994; Guyant-Marechal et al. 2005; Pilo-de-la-Fuente et al. 2011; Caroppo et al. 2013; Schabhuttl et al. 2014; Huidekoper et al. 2016). The p.Thr339Met variant was absent from 100 controls and is reported at a frequency of 0.00003 in the total population of the Exome Aggregation Consortium. The Thr306 residue is conserved and located in the heme-binding site of the protein. Based on the evidence, the p.Thr339Met variant is classified as pathogenic for cerebrotendinous xanthomatosis. This variant was observed by ICSL as part of a predisposition screen in an ostensibly healthy population.

Genetic Services Laboratory, University of Chicago
Classification: Likely pathogenic for Cerebrotendinous xanthomatosis. Last evaluated: 2016-05-19. Review status: criteria provided, single submitter. Criteria: ACMG Guidelines, 2015. Collection method: clinical testing. Allele origin: germline. Affected: yes.

Juno Genomics, Hangzhou Juno Genomics, Inc
Classification: Pathogenic for Cholestanol storage disease. Review status: criteria provided, single submitter. Criteria: ACMG Guidelines, 2015. Collection method: clinical testing. Allele origin: germline. Affected: yes.
Comment: Absent from controls (or at extremely low frequency if recessive) in Genome Aggregation Database, Exome Sequencing Project, 1000 Genomes Project, or Exome Aggregation Consortium.;Multiple lines of computational evidence support a deleterious effect on the gene or gene product (conservation, evolutionary, splicing impact, etc).;For recessive disorders, detected in trans with a pathogenic variant.;Patient's phenotype or family history is highly specific for a disease with a single genetic etiology.

Counsyl
Classification: Pathogenic for Cholestanol storage disease. Last evaluated: 2016-12-01. Review status: no assertion criteria provided. Collection method: clinical testing. Allele origin: unknown. Not counted in ClinVar's aggregate classification.

OMIM
Classification: Pathogenic for CEREBROTENDINOUS XANTHOMATOSIS. Last evaluated: 2005-12-01. Review status: no assertion criteria provided. Collection method: literature only. Allele origin: germline. Not counted in ClinVar's aggregate classification.

Clinical Genetics DNA and cytogenetics Diagnostics Lab, Erasmus MC, Erasmus Medical Center
Classification: Likely pathogenic. Review status: no assertion criteria provided. Collection method: clinical testing. Allele origin: germline. Affected: yes. Study: VKGL Data-share Consensus. Not counted in ClinVar's aggregate classification.

Clinical Genetics, Academic Medical Center
Classification: Pathogenic. Review status: no assertion criteria provided. Collection method: clinical testing. Allele origin: germline. Affected: yes. Study: VKGL Data-share Consensus. Not counted in ClinVar's aggregate classification.

Diagnostic Laboratory, Department of Genetics, University Medical Center Groningen
Classification: Pathogenic. Review status: no assertion criteria provided. Collection method: clinical testing. Allele origin: germline. Affected: yes. Study: VKGL Data-share Consensus. Not counted in ClinVar's aggregate classification.

Joint Genome Diagnostic Labs from Nijmegen and Maastricht, Radboudumc and MUMC+
Classification: Pathogenic. Review status: no assertion criteria provided. Collection method: clinical testing. Allele origin: germline. Affected: yes. Study: VKGL Data-share Consensus. Not counted in ClinVar's aggregate classification.

Literature cited by the submitters: PubMed 8014582 (cited by 6 submitters); PubMed 24627108 (cited by 7 submitters); PubMed 26156051 (cited by 7 submitters); PubMed 27858369 (cited by 6 submitters); PubMed 16278884 (cited by 6 submitters); PubMed 17697869 (cited by 3 submitters); PubMed 21404287 (cited by Ambry Genetics and Athena Diagnostics); PubMed 21627786 (cited by Ambry Genetics and Athena Diagnostics); PubMed 21645175 (cited by 4 submitters); PubMed 22849591 (cited by Ambry Genetics and Athena Diagnostics); PubMed 23212406 (cited by 4 submitters); PubMed 27142713 (cited by 3 submitters); PubMed 28894950 (cited by Ambry Genetics and Mayo Clinic Laboratories, Mayo Clinic); PubMed 33414089 (cited by Mayo Clinic Laboratories, Mayo Clinic); PubMed 36530930 (cited by Mayo Clinic Laboratories, Mayo Clinic); PubMed 11737215 (cited by 3 submitters); PubMed 11313766 (cited by Dasa); PubMed 9654207 (cited by Dasa); PubMed 10206677 (cited by Dasa); PubMed 26643207 (cited by Athena Diagnostics); PubMed 10775536 (cited by Counsyl).